The following is an entry in ClinVar:

ClinVar aggregate classification (germline): Conflicting classifications of pathogenicity. Review status: criteria provided, conflicting classifications (1 of 4 stars). 2 submissions from 2 submitters: Uncertain significance (1); Likely benign (1). Last evaluated 2026-07-09.

Conditions:
Inborn genetic diseases. Identifiers: MedGen C0950123, MeSH D030342.

Submissions (2):

Ambry Genetics
Classification: Likely benign for Inborn genetic diseases. Last evaluated: 2026-07-09. Review status: criteria provided, single submitter. Criteria: Ambry Variant Classification Scheme 2023. Collection method: clinical testing. Allele origin: germline.

Labcorp Genetics (formerly Invitae), Labcorp
Classification: Uncertain significance. Last evaluated: 2026-01-26. Review status: criteria provided, single submitter. Criteria: Invitae Variant Classification Sherloc (09022015). Collection method: clinical testing. Allele origin: germline.
Comment: This sequence change replaces asparagine, which is neutral and polar, with histidine, which is basic and polar, at codon 1368 of the ARID1A protein (p.Asn1368His). This variant is present in population databases (no rsID available, gnomAD 0.001%). This variant has not been reported in the literature in individuals affected with ARID1A-related conditions. ClinVar contains an entry for this variant (Variation ID: 4143434). Experimental studies and prediction algorithms are not available or were not evaluated, and the functional significance of this variant is currently unknown. In summary, the available evidence is currently insufficient to determine the role of this variant in disease. Therefore, it has been classified as a Variant of Uncertain Significance.

NM_006015.6(ARID1A):c.4102A>C (p.Asn1368His)

Gene: ARID1A (AT-rich interaction domain 1A; plus strand). Cytogenetic location: 1p36.11.
Variant type: single nucleotide variant.
Coding change: c.4102A>C on transcript NM_006015.6 (MANE Select); coding-DNA position 4102, A replaced by C.
Protein change: p.Asn1368His; replaces asparagine 1368 with histidine.
Molecular consequence: missense variant. On other transcripts: intron variant (1).
Genome position (GRCh38, 1-based): chr1:26,774,329, A>C. VCF-style: chr1-26774329-A-C. GRCh37 (hg19) VCF-style: chr1-27100820-A-C.
Other names: c.4101+431A>C (NM_139135.4); short protein forms N1368H.
Identifiers: ClinVar variation 4143434 (VCV004143434.3).
Genomic context (GRCh38, chr1:26,774,329, plus strand): 5'-GTGGGCTTTATGTCCCTGAGTGCAGAGTATTAACTTCCCCTCTGCTTGTCTCTGCCTTAG[A>C]ATTACAAGCGGCCAATGGATGGCACATATGGCCCTCCTGCCAAGCGGCACGAAGGGGAGA-3'
Protein context (NP_006006.3, residues 1358-1378): QTTMYQQQQQ[Asn1368His]YKRPMDGTYG